The following is an entry in ClinVar:

NM_000124.4(ERCC6):c.1246_1249del (p.Lys416fs)

Genes: ERCC6 (ERCC excision repair 6, chromatin remodeling factor; minus strand), PGBD3 (piggyBac transposable element derived 3; minus strand). Cytogenetic location: 10q11.23.
Variant type: Deletion.
Coding change: c.1246_1249del on transcript NM_000124.4 (MANE Select); coding-DNA positions 1246 to 1249, 4 bases deleted (AAAG; older notation c.1246_1249delAAAG).
Protein change: p.Lys416fs; shifts the reading frame from lysine 416.
Molecular consequence: frameshift variant. On other transcripts: 5 prime UTR variant (1).
Genome position (GRCh38, 1-based): chr10:49,524,181-49,524,184, CTTT deleted on the plus strand (AAAG on the coding strand, the reverse complement: ERCC6 is on the minus strand); deleting any 4 consecutive bases within chr10:49,524,181-49,524,187 gives the same sequence; the c. name uses the placement nearest the transcript's 3' end. VCF-style (leftmost placement, unchanged base first): chr10-49524180-ACTTT-A. GRCh37 (hg19) VCF-style: chr10-50732226-ACTTT-A.
Other names: c.1246_1249del, p.Lys416fs (NM_001277058.2, NM_001277059.2, NM_001346440.2); c.-159_-156del (NM_170753.3); short protein forms K416fs.
Identifiers: ClinVar variation 2822826 (VCV002822826.3), dbSNP rs2496138391, ClinGen allele CA2739265353.
Genomic context (GRCh38, chr10:49,524,180, plus strand): 5'-GCAGCTTCAGCTTCTTCCCCAGAACTTGGGAAAAAGTCATCATCAATCTCCTGCACTGGC[ACTTT>A]CTTCTGCCGTTTCCCGCCCTTGGGCAGAGGCTTCAGCTCATAGTCAGTACCATCTCCAGA-3'

ClinVar aggregate classification (germline): Pathogenic (1 of 4 stars; one submission).

Submission:

Labcorp Genetics (formerly Invitae), Labcorp
Classification: Pathogenic. Last evaluated: 2022-12-31. Review status: criteria provided, single submitter. Criteria: Invitae Variant Classification Sherloc (09022015). Collection method: clinical testing. Allele origin: germline.
Comment: For these reasons, this variant has been classified as Pathogenic. This sequence change creates a premature translational stop signal (p.Lys416Cysfs*23) in the ERCC6 gene. It is expected to result in an absent or disrupted protein product. Loss-of-function variants in ERCC6 are known to be pathogenic (PMID: 18628313, 29572252). This variant is not present in population databases (gnomAD no frequency). This variant has not been reported in the literature in individuals affected with ERCC6-related conditions.

Literature cited by the submitters: PubMed 18628313; PubMed 29572252.